The following is an entry in ClinVar:

NM_025114.4(CEP290):c.6270+2T>C

Gene: CEP290 (centrosomal protein 290; minus strand). Cytogenetic location: 12q21.32.
Variant type: single nucleotide variant.
Coding change: c.6270+2T>C on transcript NM_025114.4 (MANE Select); the canonical splice donor site of the intron after coding-DNA position 6270, T replaced by C.
Molecular consequence: splice donor variant.
Genome position (GRCh38, 1-based): chr12:88,063,979, A>G on the plus strand (T>C on the coding strand, the complement: CEP290 is on the minus strand). VCF-style: chr12-88063979-A-G. GRCh37 (hg19) VCF-style: chr12-88457756-A-G.
Identifiers: ClinVar variation 2094614 (VCV002094614.5), dbSNP rs2499616926, ClinGen allele CA385979504.

ClinVar aggregate classification (germline): Likely pathogenic. Review status: criteria provided, multiple submitters, no conflicts (2 of 4 stars). 2 submissions from 2 submitters: Likely pathogenic (2). Last evaluated 2023-11-18.

Conditions:
Joubert syndrome. Also called: CEREBELLOPARENCHYMAL DISORDER IV; JOUBERT-BOLTSHAUSER SYNDROME; Familial aplasia of the vermis. Identifiers: Orphanet 475, MedGen C5979921, MONDO:0018772.
Nephronophthisis. Also called: Juvenile Nephronophthisis. Identifiers: Orphanet 655, MedGen C0687120, MONDO:0019005, HP:0000090.
Meckel-Gruber syndrome. Also called: DYSENCEPHALIA SPLANCHNOCYSTICA; GRUBER SYNDROME; Dysencephalia splachnocystica. Identifiers: Orphanet 564, MedGen C0265215, MONDO:0018921.
Bardet-Biedl syndrome 14 (BBS14). Identifiers: Orphanet 110, MedGen C2673874, MONDO:0014442, OMIM 615991.

gnomAD v4.1: 1 of 1,586,084 alleles (0.000063%); no homozygotes.

Submissions (2):

Labcorp Genetics (formerly Invitae), Labcorp
Classification: Likely pathogenic for Joubert syndrome; Meckel-Gruber syndrome; Nephronophthisis. Last evaluated: 2023-11-18. Review status: criteria provided, single submitter. Criteria: Invitae Variant Classification Sherloc (09022015). Collection method: clinical testing. Allele origin: germline.
Comment: This sequence change affects a donor splice site in intron 45 of the CEP290 gene. It is expected to disrupt RNA splicing. Variants that disrupt the donor or acceptor splice site typically lead to a loss of protein function (PMID: 16199547), and loss-of-function variants in CEP290 are known to be pathogenic (PMID: 16909394, 17345604, 20690115). This variant is not present in population databases (gnomAD no frequency). This variant has not been reported in the literature in individuals affected with CEP290-related conditions. ClinVar contains an entry for this variant (Variation ID: 2094614). Algorithms developed to predict the effect of sequence changes on RNA splicing suggest that this variant may disrupt the consensus splice site. In summary, the currently available evidence indicates that the variant is pathogenic, but additional data are needed to prove that conclusively. Therefore, this variant has been classified as Likely Pathogenic.

Baylor Genetics
Classification: Likely pathogenic for Bardet-Biedl syndrome 14. Last evaluated: 2023-06-13. Review status: criteria provided, single submitter. Criteria: ACMG Guidelines, 2015. Collection method: clinical testing. Allele origin: unknown.

Literature cited by the submitters: PubMed 16199547 (cited by Labcorp Genetics (formerly Invitae), Labcorp); PubMed 16909394 (cited by Labcorp Genetics (formerly Invitae), Labcorp); PubMed 17345604 (cited by Labcorp Genetics (formerly Invitae), Labcorp); PubMed 20690115 (cited by Labcorp Genetics (formerly Invitae), Labcorp).